The following is an entry in ClinVar:

ClinVar aggregate classification (germline): Uncertain significance. Review status: criteria provided, multiple submitters, no conflicts (2 of 4 stars). 4 submissions from 4 submitters: Uncertain significance (4). Last evaluated 2025-11-23.

Conditions:
Hereditary cancer-predisposing syndrome. Also called: Hereditary neoplastic syndrome; Neoplastic Syndromes, Hereditary; Tumor predisposition; Hereditary Cancer Syndrome. Identifiers: Orphanet 140162, MedGen C0027672, MeSH D009386, MONDO:0015356.
Microcephaly, normal intelligence and immunodeficiency (NBS). Also called: IMMUNODEFICIENCY, MICROCEPHALY, AND CHROMOSOMAL INSTABILITY; SEEMANOVA SYNDROME II; Nijmegen breakage syndrome; Microcephaly with normal intelligence immunodeficiency and lymphoreticular malignancies; Nonsyndromal microcephaly autosomal recessive with normal intelligence; Seemanova syndrome 2. Identifiers: Orphanet 647, MedGen C0398791, MONDO:0009623, OMIM 251260.
Aplastic anemia. Identifiers: Orphanet 182040, Orphanet 88, MedGen C0002874, MONDO:0015909, OMIM 609135, HP:0001915.

Allele frequency attached by ClinVar (database versions not stated): gnomAD 0.00001.
gnomAD v4.1: 1 of 1,613,968 alleles (0.000062%); highest among the groups gnomAD compares: African/African-American, 0.0013%; no homozygotes.

Submissions (4):

Ambry Genetics
Classification: Uncertain significance for Hereditary cancer-predisposing syndrome. Last evaluated: 2025-11-23. Review status: criteria provided, single submitter. Criteria: Ambry Variant Classification Scheme 2023. Collection method: clinical testing. Allele origin: germline.
Comment: The p.T276S variant (also known as c.826A>T), located in coding exon 7 of the NBN gene, results from an A to T substitution at nucleotide position 826. The threonine at codon 276 is replaced by serine, an amino acid with similar properties. This amino acid position is well conserved in available vertebrate species. In addition, this alteration is predicted to be tolerated by in silico analysis. Since supporting evidence is limited at this time, the clinical significance of this alteration remains unclear.

Labcorp Genetics (formerly Invitae), Labcorp
Classification: Uncertain significance for Microcephaly, normal intelligence and immunodeficiency. Last evaluated: 2025-03-31. Review status: criteria provided, single submitter. Criteria: Invitae Variant Classification Sherloc (09022015). Collection method: clinical testing. Allele origin: germline.
Comment: This sequence change replaces threonine, which is neutral and polar, with serine, which is neutral and polar, at codon 276 of the NBN protein (p.Thr276Ser). This variant is not present in population databases (gnomAD no frequency). This variant has not been reported in the literature in individuals affected with NBN-related conditions. ClinVar contains an entry for this variant (Variation ID: 480031). An algorithm developed to predict the effect of missense changes on protein structure and function (PolyPhen-2) suggests that this variant is likely to be tolerated. In summary, the available evidence is currently insufficient to determine the role of this variant in disease. Therefore, it has been classified as a Variant of Uncertain Significance.

Baylor Genetics
Classification: Uncertain significance for Aplastic anemia. Last evaluated: 2023-06-23. Review status: criteria provided, single submitter. Criteria: ACMG Guidelines, 2015. Collection method: clinical testing. Allele origin: unknown.

Genome-Nilou Lab
Classification: Uncertain significance for Microcephaly, normal intelligence and immunodeficiency. Last evaluated: 2021-11-07. Review status: criteria provided, single submitter. Criteria: ACMG Guidelines, 2015. Collection method: clinical testing. Allele origin: germline. Affected: no.

NM_002485.5(NBN):c.826A>T (p.Thr276Ser)

Gene: NBN (nibrin; minus strand). Cytogenetic location: 8q21.3.
Variant type: single nucleotide variant.
Coding change: c.826A>T on transcript NM_002485.5 (MANE Select); coding-DNA position 826, A replaced by T.
Protein change: p.Thr276Ser; replaces threonine 276 with serine.
Molecular consequence: missense variant.
Genome position (GRCh38, 1-based): chr8:89,970,434, T>A on the plus strand (A>T on the coding strand, the complement: NBN is on the minus strand). VCF-style: chr8-89970434-T-A. GRCh37 (hg19) VCF-style: chr8-90982662-T-A.
Other names: c.580A>T, p.Thr194Ser (NM_001024688.3); short protein forms T276S, T194S.
Identifiers: ClinVar variation 480031 (VCV000480031.20), dbSNP rs1554563895, ClinGen allele CA371658517.